The following is an entry in ClinVar:

ClinVar aggregate classification (germline): Uncertain significance (1 of 4 stars; one submission).

Conditions:
Hereditary cancer-predisposing syndrome. Also called: Neoplastic Syndromes, Hereditary; Tumor predisposition; Hereditary Cancer Syndrome; Hereditary neoplastic syndrome. Identifiers: Orphanet 140162, MedGen C0027672, MeSH D009386, MONDO:0015356.

Submission:

Ambry Genetics
Classification: Uncertain significance for Hereditary cancer-predisposing syndrome. Last evaluated: 2025-08-15. Review status: criteria provided, single submitter. Criteria: Ambry Variant Classification Scheme 2023. Collection method: clinical testing. Allele origin: germline.
Comment: The c.684-3C>T intronic variant results from a C to T substitution 3 nucleotides upstream from coding exon 6 in the SUFU gene. This nucleotide position is well conserved in available vertebrate species. In silico splice site analysis predicts that this alteration will not have any significant effect on splicing. Based on the available evidence, the clinical significance of this variant remains unclear.

NM_016169.4(SUFU):c.684-3C>T

Gene: SUFU (SUFU negative regulator of hedgehog signaling; plus strand). Cytogenetic location: 10q24.32.
Variant type: single nucleotide variant.
Coding change: c.684-3C>T on transcript NM_016169.4 (MANE Select); 3 bases into the intron before coding-DNA position 684, C replaced by T.
Molecular consequence: intron variant.
Genome position (GRCh38, 1-based): chr10:102,593,990, C>T. VCF-style: chr10-102593990-C-T. GRCh37 (hg19) VCF-style: chr10-104353747-C-T.
Other names: c.684-3C>T (NM_001178133.2).
Identifiers: ClinVar variation 4177548 (VCV004177548.1).